The following is an entry in ClinVar:

NM_003632.3(CNTNAP1):c.3475-119T>C

Gene: CNTNAP1 (contactin associated protein 1; plus strand). Cytogenetic location: 17q21.2.
Variant type: single nucleotide variant.
Coding change: c.3475-119T>C on transcript NM_003632.3 (MANE Select); 119 bases into the intron before coding-DNA position 3475, T replaced by C.
Molecular consequence: intron variant.
Genome position (GRCh38, 1-based): chr17:42,697,155, T>C. VCF-style: chr17-42697155-T-C. GRCh37 (hg19) VCF-style: chr17-40849173-T-C.
Identifiers: ClinVar variation 1697111 (VCV001697111.2), dbSNP rs189915731, ClinGen allele CA290767638.

ClinVar aggregate classification (germline): Likely benign (1 of 4 stars; one submission).

Allele frequency attached by ClinVar (database versions not stated): gnomAD exomes 0.00114; 1000 Genomes Project 0.00859; 1000 Genomes Project 30x 0.00859; gnomAD 0.00926 and 0.00995; TOPMed 0.01061.

Submission:

GeneDx
Classification: Likely benign. Last evaluated: 2022-01-17. Review status: criteria provided, single submitter. Criteria: GeneDx Variant Classification Process June 2021. Collection method: clinical testing. Allele origin: germline. Affected: yes.
Comment: See Variant Classification Assertion Criteria.